The following is an entry in ClinVar:

NM_006662.3(SRCAP):c.2809C>T (p.Pro937Ser)

Gene: SRCAP (Snf2 related CREBBP activator protein; plus strand). Cytogenetic location: 16p11.2.
Variant type: single nucleotide variant.
Coding change: c.2809C>T on transcript NM_006662.3 (MANE Select); coding-DNA position 2809, C replaced by T.
Protein change: p.Pro937Ser; replaces proline 937 with serine.
Molecular consequence: missense variant.
Genome position (GRCh38, 1-based): chr16:30,716,471, C>T. VCF-style: chr16-30716471-C-T. GRCh37 (hg19) VCF-style: chr16-30727792-C-T.
Other names: short protein forms P937S.
Identifiers: ClinVar variation 2821957 (VCV002821957.3), dbSNP rs1357116479, ClinGen allele CA395611426.

ClinVar aggregate classification (germline): Uncertain significance (1 of 4 stars; one submission).

Allele frequency attached by ClinVar (database versions not stated): gnomAD exomes below 0.00001.
gnomAD v4.1: 2 of 1,612,290 alleles (0.00012%); highest among the groups gnomAD compares: Non-Finnish European, 0.00017%; no homozygotes.

Submission:

Labcorp Genetics (formerly Invitae), Labcorp
Classification: Uncertain significance. Last evaluated: 2024-07-26. Review status: criteria provided, single submitter. Criteria: Invitae Variant Classification Sherloc (09022015). Collection method: clinical testing. Allele origin: germline.
Comment: This sequence change replaces proline, which is neutral and non-polar, with serine, which is neutral and polar, at codon 937 of the SRCAP protein (p.Pro937Ser). This variant is present in population databases (no rsID available, gnomAD 0.0009%). This variant has not been reported in the literature in individuals affected with SRCAP-related conditions. Advanced modeling of protein sequence and biophysical properties (such as structural, functional, and spatial information, amino acid conservation, physicochemical variation, residue mobility, and thermodynamic stability) performed at Invitae indicates that this missense variant is not expected to disrupt SRCAP protein function with a negative predictive value of 80%. In summary, the available evidence is currently insufficient to determine the role of this variant in disease. Therefore, it has been classified as a Variant of Uncertain Significance.